The following is an entry in ClinVar:

ClinVar aggregate classification (germline): Pathogenic. Review status: criteria provided, multiple submitters, no conflicts (2 of 4 stars). 2 submissions from 2 submitters: Pathogenic (2). Last evaluated 2021-04-09.

Conditions:
Adams-Oliver syndrome 5 (AOS5). Identifiers: Orphanet 974, MedGen C4014970, MONDO:0014459, OMIM 616028.

Submissions (2):

GeneDx
Classification: Pathogenic. Last evaluated: 2021-04-09. Review status: criteria provided, single submitter. Criteria: GeneDx Variant Classification Process June 2021. Collection method: clinical testing. Allele origin: germline. Affected: yes.
Comment: Frameshift variant predicted to result in protein truncation or nonsense mediated decay in a gene for which loss-of-function is a known mechanism of disease; Not observed in large population cohorts (Lek et al., 2016); This variant is associated with the following publications: (PMID: 33578785)

Labcorp Genetics (formerly Invitae), Labcorp
Classification: Pathogenic for Adams-Oliver syndrome 5. Last evaluated: 2019-08-02. Review status: criteria provided, single submitter. Criteria: Invitae Variant Classification Sherloc (09022015). Collection method: clinical testing. Allele origin: germline.
Comment: For these reasons, this variant has been classified as Pathogenic. Loss-of-function variants in NOTCH1 are known to be pathogenic (PMID: 16025100, 21457232, 25132448, 25963545). This variant has not been reported in the literature in individuals with NOTCH1-related conditions. This variant is not present in population databases (ExAC no frequency). This sequence change creates a premature translational stop signal (p.Cys817Leufs*11) in the NOTCH1 gene. It is expected to result in an absent or disrupted protein product.

Literature cited by the submitters: PubMed 16025100 (cited by Labcorp Genetics (formerly Invitae), Labcorp); PubMed 21457232 (cited by Labcorp Genetics (formerly Invitae), Labcorp); PubMed 25132448 (cited by Labcorp Genetics (formerly Invitae), Labcorp); PubMed 25963545 (cited by Labcorp Genetics (formerly Invitae), Labcorp).

NM_017617.5(NOTCH1):c.2448dup (p.Cys817fs)

Gene: NOTCH1 (notch receptor 1; minus strand). Cytogenetic location: 9q34.3.
Variant type: Duplication.
Coding change: c.2448dup on transcript NM_017617.5 (MANE Select); coding-DNA position 2448, one base duplicated (C; older notation c.2448dupC).
Protein change: p.Cys817fs; shifts the reading frame from cysteine 817.
Molecular consequence: frameshift variant.
Genome position (GRCh38, 1-based): chr9:136,513,040, G duplicated on the plus strand (C on the coding strand, the reverse complement: NOTCH1 is on the minus strand). VCF-style (leftmost placement, unchanged base first): chr9-136513039-A-AG. GRCh37 (hg19) VCF-style: chr9-139407491-A-AG.
Other names: c.2448dup (NM_017617.3); short protein forms C817fs.
Identifiers: ClinVar variation 817997 (VCV000817997.9), dbSNP rs1589064285, ClinGen allele CA915945812.